The following is an entry in ClinVar:

ClinVar aggregate classification (germline): Benign/Likely benign. Review status: criteria provided, multiple submitters, no conflicts (2 of 4 stars). 3 submissions from 3 submitters: Benign (1); Likely benign (2). Last evaluated 2026-03-14.

Conditions:
Familial cancer of breast. Also called: hereditary breast carcinoma; Hereditary breast cancer; BREAST CANCER, FAMILIAL. Identifiers: Orphanet 227535, MedGen C0346153, MONDO:0016419, OMIM 114480. Disease mechanism: loss of function.
Fanconi anemia complementation group J. Also called: BRIP1-Related Fanconi Anemia. Identifiers: Orphanet 84, MedGen C1836860, MONDO:0012187, OMIM 609054.
Hereditary cancer-predisposing syndrome. Also called: Tumor predisposition; Neoplastic Syndromes, Hereditary; Hereditary Cancer Syndrome; Hereditary neoplastic syndrome. Identifiers: Orphanet 140162, MedGen C0027672, MeSH D009386, MONDO:0015356.

Submissions (3):

Ambry Genetics
Classification: Likely benign for Hereditary cancer-predisposing syndrome. Last evaluated: 2026-03-14. Review status: criteria provided, single submitter. Criteria: Ambry Variant Classification Scheme 2023. Collection method: clinical testing. Allele origin: germline.

Myriad Genetics, Inc.
Classification: Benign for Familial cancer of breast. Last evaluated: 2024-09-10. Review status: criteria provided, single submitter. Criteria: Myriad Autosomal Dominant, Autosomal Recessive and X-Linked Classification Criteria (2023). Collection method: clinical testing. Allele origin: unknown.
Comment: This variant is considered benign. This variant is a silent/synonymous amino acid change and it is not expected to impact splicing.

Labcorp Genetics (formerly Invitae), Labcorp
Classification: Likely benign for Familial cancer of breast; Fanconi anemia complementation group J. Last evaluated: 2024-07-24. Review status: criteria provided, single submitter. Criteria: Invitae Variant Classification Sherloc (09022015). Collection method: clinical testing. Allele origin: germline.

NM_032043.3(BRIP1):c.3429T>C (p.Asp1143=)

Gene: BRIP1 (BRCA1 interacting DNA helicase 1; minus strand). Cytogenetic location: 17q23.2.
Variant type: single nucleotide variant.
Coding change: c.3429T>C on transcript NM_032043.3 (MANE Select); coding-DNA position 3429, T replaced by C.
Protein change: p.Asp1143=; no amino-acid change (aspartic acid 1143 retained).
Molecular consequence: synonymous variant.
Genome position (GRCh38, 1-based): chr17:61,683,617, A>G on the plus strand (T>C on the coding strand, the complement: BRIP1 is on the minus strand). VCF-style: chr17-61683617-A-G. GRCh37 (hg19) VCF-style: chr17-59760978-A-G.
Identifiers: ClinVar variation 763469 (VCV000763469.11), dbSNP rs1315917374, ClinGen allele CA501335027.